The following is an entry in ClinVar:

ClinVar aggregate classification (germline): Uncertain significance (1 of 4 stars; one submission).

Submission:

Labcorp Genetics (formerly Invitae), Labcorp
Classification: Uncertain significance. Last evaluated: 2025-04-21. Review status: criteria provided, single submitter. Criteria: Invitae Variant Classification Sherloc (09022015). Collection method: clinical testing. Allele origin: germline.
Comment: This sequence change replaces proline, which is neutral and non-polar, with serine, which is neutral and polar, at codon 592 of the ANKZF1 protein (p.Pro592Ser). This variant is not present in population databases (gnomAD no frequency). This variant has not been reported in the literature in individuals affected with ANKZF1-related conditions. An algorithm developed to predict the effect of missense changes on protein structure and function (PolyPhen-2) suggests that this variant is likely to be disruptive. In summary, the available evidence is currently insufficient to determine the role of this variant in disease. Therefore, it has been classified as a Variant of Uncertain Significance.

NM_018089.3(ANKZF1):c.1774C>T (p.Pro592Ser)

Gene: ANKZF1 (ankyrin repeat and zinc finger peptidyl tRNA hydrolase 1; plus strand). Cytogenetic location: 2q35.
Variant type: single nucleotide variant.
Coding change: c.1774C>T on transcript NM_018089.3 (MANE Select); coding-DNA position 1774, C replaced by T.
Protein change: p.Pro592Ser; replaces proline 592 with serine.
Molecular consequence: missense variant.
Genome position (GRCh38, 1-based): chr2:219,235,556, C>T. VCF-style: chr2-219235556-C-T. GRCh37 (hg19) VCF-style: chr2-220100278-C-T.
Other names: c.1774C>T, p.Pro592Ser (NM_001042410.2); c.1144C>T, p.Pro382Ser (NM_001282792.2); short protein forms P382S, P592S.
Identifiers: ClinVar variation 4718003 (VCV004718003.1).